The following is an entry in ClinVar:

NM_201384.3(PLEC):c.3776A>G (p.Glu1259Gly)

Gene: PLEC (plectin; minus strand). Cytogenetic location: 8q24.3.
Variant type: single nucleotide variant.
Coding change: c.3776A>G on transcript NM_201384.3 (MANE Select); coding-DNA position 3776, A replaced by G.
Protein change: p.Glu1259Gly; replaces glutamic acid 1259 with glycine.
Molecular consequence: missense variant.
Genome position (GRCh38, 1-based): chr8:143,927,316, T>C on the plus strand (A>G on the coding strand, the complement: PLEC is on the minus strand). VCF-style: chr8-143927316-T-C. GRCh37 (hg19) VCF-style: chr8-145001484-T-C.
Other names: c.3857A>G, p.Glu1286Gly (NM_000445.5, NM_001410941.1); c.3734A>G, p.Glu1245Gly (NM_201378.4); c.3710A>G, p.Glu1237Gly (NM_201379.3); c.4187A>G, p.Glu1396Gly (NM_201380.4); c.3680A>G, p.Glu1227Gly (NM_201381.3); c.3776A>G, p.Glu1259Gly (NM_201382.4); c.3788A>G, p.Glu1263Gly (NM_201383.3); short protein forms E1227G, E1237G, E1245G, E1259G, E1263G, E1286G, E1396G.
Identifiers: ClinVar variation 3763829 (VCV003763829.2).

ClinVar aggregate classification (germline): Uncertain significance (1 of 4 stars; one submission).

Conditions:
Epidermolysis bullosa simplex with nail dystrophy (EBS5D). Identifiers: MedGen C4225309, MONDO:0014661, OMIM 616487.
Epidermolysis bullosa simplex, Ogna type (EBS5A). Also called: EPIDERMOLYSIS BULLOSA SIMPLEX 5A, OGNA TYPE; Pidermolysis bullosa simplex 5A, Ogna type. Identifiers: Orphanet 79401, MedGen C0432317, MONDO:0007555, OMIM 131950.
Autosomal recessive limb-girdle muscular dystrophy type 2Q (LGMDR17). Also called: MUSCULAR DYSTROPHY, LIMB-GIRDLE, AUTOSOMAL RECESSIVE 17. Identifiers: Orphanet 254361, MedGen C3150989, MONDO:0013390, OMIM 613723.
Epidermolysis bullosa simplex 5B, with muscular dystrophy (EBS5B). Also called: EPIDERMOLYSIS BULLOSA SIMPLEX AND LIMB-GIRDLE MUSCULAR DYSTROPHY; Epidermolysis bullosa simplex with muscular dystrophy. Identifiers: Orphanet 257, MedGen C2931072, MONDO:0009181, OMIM 226670.
Epidermolysis bullosa simplex 5C, with pyloric atresia (EBS5C). Also called: PLEC1-Related Epidermolysis Bullosa with Pyloric Atresia; PLEC-Related Epidermolysis Bullosa with Pyloric Atresia; Epidermolysis bullosa simplex with pyloric atresia. Identifiers: Orphanet 158684, MedGen C2677349, MONDO:0012807, OMIM 612138.

gnomAD v4.1: 1 of 1,613,150 alleles (0.000062%); highest among the groups gnomAD compares: Admixed American, 0.0017%; no homozygotes.

Submission:

Labcorp Genetics (formerly Invitae), Labcorp
Classification: Uncertain significance for Autosomal recessive limb-girdle muscular dystrophy type 2Q; Epidermolysis bullosa simplex, Ogna type; Epidermolysis bullosa simplex with nail dystrophy; Epidermolysis bullosa simplex 5C, with pyloric atresia; Epidermolysis bullosa simplex 5B, with muscular dystrophy. Last evaluated: 2024-07-21. Review status: criteria provided, single submitter. Criteria: Invitae Variant Classification Sherloc (09022015). Collection method: clinical testing. Allele origin: germline.
Comment: This sequence change replaces glutamic acid, which is acidic and polar, with glycine, which is neutral and non-polar, at codon 1286 of the PLEC protein (p.Glu1286Gly). This variant is present in population databases (no rsID available, gnomAD 0.003%). This variant has not been reported in the literature in individuals affected with PLEC-related conditions. Advanced modeling of protein sequence and biophysical properties (such as structural, functional, and spatial information, amino acid conservation, physicochemical variation, residue mobility, and thermodynamic stability) has been performed at Invitae for this missense variant, however the output from this modeling did not meet the statistical confidence thresholds required to predict the impact of this variant on PLEC protein function. In summary, the available evidence is currently insufficient to determine the role of this variant in disease. Therefore, it has been classified as a Variant of Uncertain Significance.